The following is an entry in ClinVar:

NM_130837.3(OPA1):c.*1610C>A

Gene: OPA1 (OPA1 mitochondrial dynamin like GTPase; plus strand). Cytogenetic location: 3q29.
Variant type: single nucleotide variant.
Coding change: c.*1610C>A on transcript NM_130837.3 (MANE Select); 1610 bases downstream of the stop codon, C replaced by A.
Molecular consequence: 3 prime UTR variant.
Genome position (GRCh38, 1-based): chr3:193,696,210, C>A. VCF-style: chr3-193696210-C-A. GRCh37 (hg19) VCF-style: chr3-193413999-C-A.
Other names: c.*1610C>A (NM_001354663.2, NM_001354664.2, NM_015560.3 and 6 more transcripts).
Identifiers: ClinVar variation 344503 (VCV000344503.5), dbSNP rs73069785, ClinGen allele CA10615462.

ClinVar aggregate classification (germline): Benign (1 of 4 stars; one submission).

Conditions:
Autosomal dominant optic atrophy classic form (OPA1). Also called: KJER-TYPE OPTIC ATROPHY; OPTIC ATROPHY, JUVENILE; Optic Atrophy Type 1. Identifiers: Orphanet 98673, MedGen C0338508, MONDO:0008134, OMIM 165500.

Allele frequency attached by ClinVar (database versions not stated): TOPMed 0.00193; 1000 Genomes Project 0.00220; 1000 Genomes Project 30x 0.00281.

Submission:

Illumina Laboratory Services, Illumina
Classification: Benign for Autosomal dominant optic atrophy classic form. Last evaluated: 2018-01-12. Review status: criteria provided, single submitter. Criteria: ICSL Variant Classification Criteria 13 December 2019. Collection method: clinical testing. Allele origin: germline.
Comment: This variant was observed in the ICSL laboratory as part of a predisposition screen in an ostensibly healthy population. It had not been previously curated by ICSL or reported in the Human Gene Mutation Database (HGMD: prior to June 1st, 2018), and was therefore a candidate for classification through an automated scoring system. Utilizing variant allele frequency, disease prevalence and penetrance estimates, and inheritance mode, an automated score was calculated to assess if this variant is too frequent to cause the disease. Based on the score and internal cut-off values, a variant classified as benign is not then subjected to further curation. The score for this variant resulted in a classification of benign for this disease.